The following is an entry in ClinVar:

ClinVar aggregate classification (germline): Conflicting classifications of pathogenicity. Review status: criteria provided, conflicting classifications (1 of 4 stars). 10 submissions from 9 submitters: Uncertain significance (8); Benign (1); Likely benign (1). Last evaluated 2026-01-07.

Conditions:
Ovarian neoplasm. Also called: Ovarian tumor; Ovarian Neoplasms; Neoplasm of ovary. Identifiers: MedGen C0919267, MeSH D010051, MONDO:0021068, HP:0100615.
Prostate cancer. Also called: Malignant tumor of prostate. Identifiers: Orphanet 1331, MedGen C0376358, MONDO:0008315, HP:0012125.
Familial cancer of breast. Also called: BREAST CANCER, FAMILIAL; Hereditary breast cancer; hereditary breast carcinoma. Identifiers: Orphanet 227535, MedGen C0346153, MONDO:0016419, OMIM 114480. Disease mechanism: loss of function.
Blepharocheilodontic syndrome 1 (BCDS1). Identifiers: Orphanet 1997, MedGen C4551988, MONDO:0054740, OMIM 119580.
Endometrial carcinoma. Also called: Endometrial carcinoma, somatic. Identifiers: MedGen C0476089, MONDO:0002447, OMIM 608089, HP:0012114.
Hereditary diffuse gastric adenocarcinoma (HDGC). Also called: DIFFUSE GASTRIC AND LOBULAR BREAST CANCER SYNDROME. Identifiers: Orphanet 26106, MedGen C1708349, MONDO:0007648, OMIM 137215.
Ovarian cancer. Also called: OVARIAN CANCER, SOMATIC. Identifiers: Orphanet 213500, MedGen C1140680, MONDO:0008170, OMIM 167000.
Hereditary cancer-predisposing syndrome. Also called: Hereditary Cancer Syndrome; Hereditary neoplastic syndrome; Neoplastic Syndromes, Hereditary; Tumor predisposition. Identifiers: Orphanet 140162, MedGen C0027672, MeSH D009386, MONDO:0015356.

Allele frequency attached by ClinVar (database versions not stated): gnomAD 0.00001; gnomAD exomes below 0.00001; TOPMed 0.00001.
gnomAD v4.1: 2 of 1,614,078 alleles (0.00012%); highest among the groups gnomAD compares: Admixed American, 0.0033%; no homozygotes.

Submissions (10):

Labcorp Genetics (formerly Invitae), Labcorp
Classification: Uncertain significance for Hereditary diffuse gastric adenocarcinoma. Last evaluated: 2026-01-07. Review status: criteria provided, single submitter. Criteria: Invitae Variant Classification Sherloc (09022015). Collection method: clinical testing. Allele origin: germline.
Comment: This sequence change replaces isoleucine, which is neutral and non-polar, with valine, which is neutral and non-polar, at codon 615 of the CDH1 protein (p.Ile615Val). This variant is present in population databases (no rsID available, gnomAD 0.003%). This variant has not been reported in the literature in individuals affected with CDH1-related conditions. ClinVar contains an entry for this variant (Variation ID: 481702). An algorithm developed to predict the effect of missense changes on protein structure and function outputs the following: PolyPhen-2: "Benign". The valine amino acid residue is found in multiple mammalian species, which suggests that this missense change does not adversely affect protein function. In summary, the available evidence is currently insufficient to determine the role of this variant in disease. Therefore, it has been classified as a Variant of Uncertain Significance.

Myriad Genetics, Inc.
Classification: Likely benign for Hereditary diffuse gastric adenocarcinoma. Last evaluated: 2025-12-23. Review status: criteria provided, single submitter. Criteria: Myriad Autosomal Dominant, Autosomal Recessive and X-Linked Classification Criteria (2023). Collection method: clinical testing. Allele origin: unknown.
Comment: This variant is considered likely benign. Homozygosity has been confirmed in one or more individuals. As homozygosity for pathogenic variants in this gene is generally assumed to result in embryonic lethality, this variant is unlikely to be pathogenic.

Quest Diagnostics Nichols Institute San Juan Capistrano
Classification: Uncertain significance. Last evaluated: 2025-04-21. Review status: criteria provided, single submitter. Criteria: Quest Diagnostics criteria. Collection method: clinical testing. Allele origin: unknown.
Comment: The CDH1 c.1843A>G (p.Ile615Val) variant has not been reported in individuals with CDH1-related conditions in the published literature. The frequency of this variant in the general population (Genome Aggregation Database) is uninformative in the assessment of its pathogenicity. Analysis of this variant using bioinformatics tools for the prediction of the effect of amino acid changes on protein structure and function yielded predictions that this variant is benign. Based on the available information, we are unable to determine the clinical significance of this variant.

Ambry Genetics
Classification: Benign for Hereditary cancer-predisposing syndrome. Last evaluated: 2024-12-27. Review status: criteria provided, single submitter. Criteria: Ambry Variant Classification Scheme 2023. Collection method: clinical testing. Allele origin: germline.

Mayo Clinic Laboratories, Mayo Clinic
Classification: Uncertain significance. Last evaluated: 2024-09-05. Review status: criteria provided, single submitter. Criteria: ACMG Guidelines, 2015. Collection method: clinical testing. Allele origin: germline. Observed: 1 variant allele.
Comment: BP4, PM2

Fulgent Genetics
Classification: Uncertain significance for Familial cancer of breast; Blepharocheilodontic syndrome 1; Hereditary diffuse gastric adenocarcinoma; Ovarian cancer; Endometrial carcinoma. Last evaluated: 2024-05-15. Review status: criteria provided, single submitter. Criteria: ACMG Guidelines, 2015. Collection method: clinical testing. Allele origin: germline.

Color Diagnostics, LLC DBA Color Health
Classification: Uncertain significance for Hereditary cancer-predisposing syndrome. Last evaluated: 2024-03-06. Review status: criteria provided, single submitter. Criteria: ACMG Guidelines, 2015. Collection method: clinical testing. Allele origin: germline.
Comment: This missense variant replaces isoleucine with valine at codon 615 of the CDH1 protein. Computational prediction suggests that this variant may not impact protein structure and function (internally defined REVEL score threshold <= 0.5, PMID: 27666373). To our knowledge, functional studies have not been reported for this variant. This variant has not been reported in individuals affected with hereditary cancer in the literature. This variant has been identified in 1/251484 chromosomes in the general population by the Genome Aggregation Database (gnomAD). The available evidence is insufficient to determine the role of this variant in disease conclusively. Therefore, this variant is classified as a Variant of Uncertain Significance.

Women's Health and Genetics/Laboratory Corporation of America, LabCorp
Classification: Uncertain significance. Last evaluated: 2021-03-19. Review status: criteria provided, single submitter. Criteria: LabCorp Variant Classification Summary - May 2015. Collection method: clinical testing. Allele origin: germline.
Comment: Variant summary: CDH1 c.1843A>G (p.Ile615Val) results in a conservative amino acid change located in the Cadherin-like domain (IPR002126) of the encoded protein sequence. Five of five in-silico tools predict a benign effect of the variant on protein function. The variant allele was found at a frequency of 4e-06 in 251484 control chromosomes (gnomAD). The available data on variant occurrences in the general population are insufficient to allow any conclusion about variant significance. To our knowledge, no occurrence of c.1843A>G in individuals affected with Hereditary Diffuse Gastric Cancer and no experimental evidence demonstrating its impact on protein function have been reported. Four ClinVar submitters (evaluation after 2014) cite the variant as uncertain significance. Based on the evidence outlined above, the variant was classified as uncertain significance.

Fulgent Genetics
Classification: Uncertain significance for Familial cancer of breast; Blepharocheilodontic syndrome 1; Hereditary diffuse gastric adenocarcinoma; Ovarian cancer; Familial prostate cancer; Endometrial carcinoma. Last evaluated: 2018-10-31. Review status: criteria provided, single submitter. Criteria: ACMG Guidelines, 2015. Collection method: clinical testing. Allele origin: unknown.

Illumina Laboratory Services, Illumina
Classification: Uncertain significance for Hereditary diffuse gastric adenocarcinoma. Last evaluated: 2018-01-13. Review status: criteria provided, single submitter. Criteria: ICSL Variant Classification Criteria 13 December 2019. Collection method: clinical testing. Allele origin: germline.

NM_004360.5(CDH1):c.1843A>G (p.Ile615Val)

Gene: CDH1 (cadherin 1; plus strand). Cytogenetic location: 16q22.1.
Variant type: single nucleotide variant.
Coding change: c.1843A>G on transcript NM_004360.5 (MANE Select); coding-DNA position 1843, A replaced by G.
Protein change: p.Ile615Val; replaces isoleucine 615 with valine.
Molecular consequence: missense variant. On other transcripts: 5 prime UTR variant (1).
Genome position (GRCh38, 1-based): chr16:68,822,132, A>G. VCF-style: chr16-68822132-A-G. GRCh37 (hg19) VCF-style: chr16-68856035-A-G.
Other names: p.Ile615Val; c.1843A>G (LRG_301t1); c.1660A>G, p.Ile554Val (NM_001317184.2); c.295A>G, p.Ile99Val (NM_001317185.2); c.-123A>G (NM_001317186.2); short protein forms I615V, I554V, I99V.
Identifiers: ClinVar variation 481702 (VCV000481702.37), dbSNP rs1003012321, ClinGen allele CA283312072.